The following is an entry in ClinVar:

NM_002582.4(PARN):c.104G>C (p.Ser35Thr)

Gene: PARN (poly(A)-specific ribonuclease; minus strand). Cytogenetic location: 16p13.12.
Variant type: single nucleotide variant.
Coding change: c.104G>C on transcript NM_002582.4 (MANE Select); coding-DNA position 104, G replaced by C.
Protein change: p.Ser35Thr; replaces serine 35 with threonine.
Molecular consequence: missense variant. On other transcripts: 5 prime UTR variant (1).
Genome position (GRCh38, 1-based): chr16:14,628,245, C>G on the plus strand (G>C on the coding strand, the complement: PARN is on the minus strand). VCF-style: chr16-14628245-C-G. GRCh37 (hg19) VCF-style: chr16-14722102-C-G.
Other names: c.-80G>C (NM_001134477.3); c.104G>C, p.Ser35Thr (NM_001242992.2); short protein forms S35T.
Identifiers: ClinVar variation 962574 (VCV000962574.2), dbSNP rs1972801342, ClinGen allele CA394817137.

ClinVar aggregate classification (germline): Uncertain significance. Review status: criteria provided, multiple submitters, no conflicts (2 of 4 stars). 2 submissions from 2 submitters: Uncertain significance (2). Last evaluated 2024-01-17.

Conditions:
Inborn genetic diseases. Identifiers: MedGen C0950123, MeSH D030342.
Dyskeratosis congenita, autosomal recessive 6 (DKCB6). Identifiers: MedGen C4225356, MONDO:0014600, OMIM 616353.
Pulmonary fibrosis and/or bone marrow failure, Telomere-related, 4. Also called: PULMONARY FIBROSIS AND/OR BONE MARROW FAILURE SYNDROME, TELOMERE-RELATED, 4. Identifiers: Orphanet 2032, MedGen C4225347, MONDO:0014612, OMIM 616371.

Allele frequency attached by ClinVar (database versions not stated): gnomAD 0.00001; TOPMed 0.00001.
gnomAD v4.1: 2 of 1,586,562 alleles (0.00013%); highest among the groups gnomAD compares: Admixed American, 0.0017%; no homozygotes.

Submissions (2):

Ambry Genetics
Classification: Uncertain significance for Inborn genetic diseases. Last evaluated: 2024-01-17. Review status: criteria provided, single submitter. Criteria: Ambry Variant Classification Scheme 2023. Collection method: clinical testing. Allele origin: germline.

Labcorp Genetics (formerly Invitae), Labcorp
Classification: Uncertain significance for Dyskeratosis congenita, autosomal recessive 6; Pulmonary fibrosis and/or bone marrow failure, telomere-related, 4. Last evaluated: 2019-11-25. Review status: criteria provided, single submitter. Criteria: Invitae Variant Classification Sherloc (09022015). Collection method: clinical testing. Allele origin: germline.
Comment: This sequence change replaces serine with threonine at codon 35 of the PARN protein (p.Ser35Thr). The serine residue is moderately conserved and there is a small physicochemical difference between serine and threonine. This variant is not present in population databases (ExAC no frequency). This variant has not been reported in the literature in individuals with PARN-related conditions. Algorithms developed to predict the effect of missense changes on protein structure and function are either unavailable or do not agree on the potential impact of this missense change (SIFT: "Deleterious"; PolyPhen-2: "Benign"; Align-GVGD: "Class C0"). In summary, the available evidence is currently insufficient to determine the role of this variant in disease. Therefore, it has been classified as a Variant of Uncertain Significance.